The following is an entry in ClinVar:

ClinVar aggregate classification (germline): Uncertain significance (1 of 4 stars; one submission).

Submission:

Labcorp Genetics (formerly Invitae), Labcorp
Classification: Uncertain significance. Last evaluated: 2022-11-01. Review status: criteria provided, single submitter. Criteria: Invitae Variant Classification Sherloc (09022015). Collection method: clinical testing. Allele origin: germline.
Comment: This sequence change replaces phenylalanine, which is neutral and non-polar, with cysteine, which is neutral and slightly polar, at codon 664 of the GRIN2D protein (p.Phe664Cys). This variant is not present in population databases (gnomAD no frequency). This variant has not been reported in the literature in individuals affected with GRIN2D-related conditions. Advanced modeling of protein sequence and biophysical properties (such as structural, functional, and spatial information, amino acid conservation, physicochemical variation, residue mobility, and thermodynamic stability) performed at Invitae indicates that this missense variant is not expected to disrupt GRIN2D protein function. In summary, the available evidence is currently insufficient to determine the role of this variant in disease. Therefore, it has been classified as a Variant of Uncertain Significance.

NM_000836.4(GRIN2D):c.1991T>G (p.Phe664Cys)

Genes: GRIN2D (glutamate ionotropic receptor NMDA type subunit 2D; plus strand), LOC130064857 (ATAC-STARR-seq lymphoblastoid active region 14894; plus strand). Cytogenetic location: 19q13.33.
Variant type: single nucleotide variant.
Coding change: c.1991T>G on transcript NM_000836.4 (MANE Select); coding-DNA position 1991, T replaced by G.
Protein change: p.Phe664Cys; replaces phenylalanine 664 with cysteine.
Molecular consequence: missense variant.
Genome position (GRCh38, 1-based): chr19:48,419,714, T>G. VCF-style: chr19-48419714-T-G. GRCh37 (hg19) VCF-style: chr19-48922971-T-G.
Other names: short protein forms F664C.
Identifiers: ClinVar variation 2094760 (VCV002094760.4), dbSNP rs2513675364, ClinGen allele CA406698220.